The following is an entry in ClinVar:

ClinVar aggregate classification (germline): Pathogenic (1 of 4 stars; one submission).

Conditions:
GNPTAB-mucolipidosis. Also called: UDP-N-acetylglucosamine-1-phosphotransferase subunit alpha/beta deficiency. Identifiers: MedGen CN322573, MONDO:0100122.

Submission:

Myriad Genetics, Inc.
Classification: Pathogenic for GNPTAB-mucolipidosis. Last evaluated: 2026-03-02. Review status: criteria provided, single submitter. Criteria: Myriad Autosomal Dominant, Autosomal Recessive and X-Linked Classification Criteria (2023). Collection method: clinical testing. Allele origin: unknown.
Comment: NM_024312.4(GNPTAB):c.381dupG(C128Vfs*8) is expected to be pathogenic in the context of GNPTAB-related disorders. This variant is predicted to lead to an abnormal or absent protein product due to the creation of a premature termination codon in GNPTAB, a gene where loss-of-function variants are known to be pathogenic. Please note: this variant was assessed in the context of healthy population screening.

NM_024312.5(GNPTAB):c.381dup (p.Cys128fs)

Gene: GNPTAB (N-acetylglucosamine-1-phosphate transferase subunits alpha and beta; minus strand). Cytogenetic location: 12q23.2.
Variant type: Duplication.
Coding change: c.381dup on transcript NM_024312.5 (MANE Select); coding-DNA position 381, one base duplicated (G; older notation c.381dupG).
Protein change: p.Cys128fs; shifts the reading frame from cysteine 128.
Molecular consequence: frameshift variant.
Genome position (GRCh38, 1-based): chr12:101,786,202, C duplicated on the plus strand (G on the coding strand, the reverse complement: GNPTAB is on the minus strand). VCF-style (leftmost placement, unchanged base first): chr12-101786201-A-AC. GRCh37 (hg19) VCF-style: chr12-102179979-A-AC.
Other names: short protein forms C128fs.
Identifiers: ClinVar variation 5015629 (VCV005015629.1).
Genomic context (GRCh38, chr12:101,786,201, plus strand): 5'-TGGCTGGCAGGGCTGGGTCCAGGACAAGCATTGGCACCTTAATGCAGTGTGTTAGCAAAC[A>AC]CTCTAACTGCTTCTCACTGGAAAGAAACACCAACATGCTTACAATTACATTCTTGAAATT-3'